The following is an entry in ClinVar:

NM_004425.4(ECM1):c.1426C>T (p.Arg476Ter)

Gene: ECM1 (extracellular matrix protein 1; plus strand). Cytogenetic location: 1q21.2.
Variant type: single nucleotide variant.
Coding change: c.1426C>T on transcript NM_004425.4 (MANE Select); coding-DNA position 1426, C replaced by T.
Protein change: p.Arg476Ter; replaces arginine 476 with a stop codon.
Molecular consequence: nonsense.
Genome position (GRCh38, 1-based): chr1:150,513,270, C>T. VCF-style: chr1-150513270-C-T. GRCh37 (hg19) VCF-style: chr1-150485746-C-T.
Other names: c.1507C>T, p.Arg503Ter (NM_001202858.2); c.1051C>T, p.Arg351Ter (NM_022664.3); short protein forms R351*, R476*, R503*.
Identifiers: ClinVar variation 4881990 (VCV004881990.3).

ClinVar aggregate classification (germline): Pathogenic/Likely pathogenic. Review status: criteria provided, multiple submitters, no conflicts (2 of 4 stars). 2 submissions from 2 submitters: Pathogenic (1); Likely pathogenic (1). Last evaluated 2024-08-06.

Conditions:
ECM1-related disorders.

gnomAD v4.1: 69 of 1,614,090 alleles (0.0043%); highest among the groups gnomAD compares: Non-Finnish European, 0.0044%; no homozygotes.

Submissions (2):

Dasa
Classification: Likely pathogenic. Last evaluated: 2024-08-06. Review status: criteria provided, single submitter. Criteria: DASA Assertion Criteria. Collection method: clinical testing. Allele origin: germline.
Comment: NM_004425.4(ECM1):c.1426C>T (p.Arg476*) is a nonsense variant in ECM1 predicted to introduce a premature termination codon and is predicted to result in an absent or altered protein product. Loss of function is an established disease mechanism for ECM1-associated disorders. This variant has been recurrently observed in individuals with ECM1-related disorders (PMID: 24708644; PMID: 17927570). Also, this variant is rare in population databases. Based on the currently available evidence, this variant is classified as likely pathogenic.

Blueprint Genetics
Classification: Pathogenic for ECM1-related disorders. Last evaluated: 2023-05-03. Review status: criteria provided, single submitter. Criteria: ACMG Guidelines, 2015. Collection method: clinical testing. Allele origin: germline. Affected: yes. Observed: 5 variant alleles.

Literature cited by the submitters: PubMed 24708644 (cited by Dasa); PubMed 17927570 (cited by Dasa).